The following is an entry in ClinVar:

ClinVar aggregate classification (germline): Uncertain significance (1 of 4 stars; one submission).

Conditions:
LAMA2-related muscular dystrophy (LAMA2-RD). Also called: Laminin alpha 2-related dystrophy. Identifiers: MedGen C5679788, MONDO:0100228.

Submission:

Labcorp Genetics (formerly Invitae), Labcorp
Classification: Uncertain significance for LAMA2-related muscular dystrophy. Last evaluated: 2023-07-03. Review status: criteria provided, single submitter. Criteria: Invitae Variant Classification Sherloc (09022015). Collection method: clinical testing. Allele origin: germline.
Comment: ClinVar contains an entry for this variant (Variation ID: 1041565). This variant has not been reported in the literature in individuals affected with LAMA2-related conditions. The frequency data for this variant in the population databases is considered unreliable, as metrics indicate poor data quality at this position in the gnomAD database. This sequence change replaces glycine, which is neutral and non-polar, with isoleucine, which is neutral and non-polar, at codon 1488 of the LAMA2 protein (p.Gly1488Ile). An algorithm developed to predict the effect of missense changes on protein structure and function (PolyPhen-2) suggests that this variant is likely to be disruptive. In summary, the available evidence is currently insufficient to determine the role of this variant in disease. Therefore, it has been classified as a Variant of Uncertain Significance.

NM_000426.4(LAMA2):c.4462_4463delinsAT (p.Gly1488Ile)

Gene: LAMA2 (laminin subunit alpha 2; plus strand). Cytogenetic location: 6q22.33.
Variant type: Indel.
Coding change: c.4462_4463delinsAT on transcript NM_000426.4 (MANE Select); coding-DNA positions 4462 to 4463, GG replaced by AT.
Protein change: p.Gly1488Ile; replaces glycine 1488 with isoleucine.
Molecular consequence: missense variant.
Genome position (GRCh38, 1-based): chr6:129,349,323-129,349,324, GG replaced by AT. VCF-style: chr6-129349323-GG-AT. GRCh37 (hg19) VCF-style: chr6-129670468-GG-AT.
Other names: c.4462_4463delinsAT, p.Gly1488Ile (NM_001079823.2); short protein forms G1488I.
Identifiers: ClinVar variation 1041565 (VCV001041565.4), dbSNP rs1776730204, ClinGen allele CA1663115091.